The following is an entry in ClinVar:

NM_003839.4(TNFRSF11A):c.1702C>T (p.Arg568Cys)

Gene: TNFRSF11A (TNF receptor superfamily member 11a; plus strand). Cytogenetic location: 18q21.33.
Variant type: single nucleotide variant.
Coding change: c.1702C>T on transcript NM_003839.4 (MANE Select); coding-DNA position 1702, C replaced by T.
Protein change: p.Arg568Cys; replaces arginine 568 with cysteine.
Molecular consequence: missense variant. On other transcripts: 3 prime UTR variant (1).
Genome position (GRCh38, 1-based): chr18:62,384,885, C>T. VCF-style: chr18-62384885-C-T. GRCh37 (hg19) VCF-style: chr18-60052118-C-T.
Other names: c.*126C>T (NM_001270949.2); c.865C>T, p.Arg289Cys (NM_001270950.2); c.751C>T, p.Arg251Cys (NM_001270951.2); c.1660C>T, p.Arg554Cys (NM_001278268.2); short protein forms R251C, R554C, R568C, R289C.
Identifiers: ClinVar variation 3676919 (VCV003676919.2).

ClinVar aggregate classification (germline): Uncertain significance (1 of 4 stars; one submission).

Submission:

Labcorp Genetics (formerly Invitae), Labcorp
Classification: Uncertain significance. Last evaluated: 2025-04-28. Review status: criteria provided, single submitter. Criteria: Invitae Variant Classification Sherloc (09022015). Collection method: clinical testing. Allele origin: germline.
Comment: This sequence change replaces arginine, which is basic and polar, with cysteine, which is neutral and slightly polar, at codon 568 of the TNFRSF11A protein (p.Arg568Cys). This variant is not present in population databases (gnomAD no frequency). This variant has not been reported in the literature in individuals affected with TNFRSF11A-related conditions. ClinVar contains an entry for this variant (Variation ID: 3676919). An algorithm developed to predict the effect of missense changes on protein structure and function (PolyPhen-2) suggests that this variant is likely to be disruptive. In summary, the available evidence is currently insufficient to determine the role of this variant in disease. Therefore, it has been classified as a Variant of Uncertain Significance.